The following is an entry in ClinVar:

NM_000257.4(MYH7):c.4099del (p.Glu1367fs)

Gene: MYH7 (myosin heavy chain 7; minus strand). Cytogenetic location: 14q11.2.
Variant type: Deletion.
Coding change: c.4099del on transcript NM_000257.4 (MANE Select); coding-DNA position 4099, one base deleted (G; older notation c.4099delG).
Protein change: p.Glu1367fs; shifts the reading frame from glutamic acid 1367.
Molecular consequence: frameshift variant.
Genome position (GRCh38, 1-based): chr14:23,418,280, C deleted on the plus strand (G on the coding strand, the reverse complement: MYH7 is on the minus strand); the first of 2 consecutive C bases (chr14:23,418,280-23,418,281); deleting either gives the same sequence. VCF-style (leftmost placement, unchanged base first): chr14-23418279-TC-T. GRCh37 (hg19) VCF-style: chr14-23887488-TC-T.
Other names: c.4099del, p.Glu1367fs (NM_001407004.1); c.4099delG (NM_000257.4); short protein forms E1367fs.
Identifiers: ClinVar variation 2890722 (VCV002890722.4), dbSNP rs2502256054, ClinGen allele CA2624227749.
Genomic context (GRCh38, chr14:23,418,279, plus strand): 5'-TCGAGCTCCTCAGTCCGCTGAATGGCGTCCGTCTCATACTTGGTCCTCCACTGGGCCACC[TC>T]CGAGTTGGCCTTGGAAAGGACGCGCTGCAGCTCGGCCTTGGCCTCCGTCTCCTCCTCGTA-3'

ClinVar aggregate classification (germline): Uncertain significance. Review status: criteria provided, multiple submitters, no conflicts (2 of 4 stars). 2 submissions from 2 submitters: Uncertain significance (2). Last evaluated 2023-12-23.

Conditions:
Cardiovascular phenotype. Identifiers: MedGen CN230736.
Hypertrophic cardiomyopathy. Also called: HYPERTROPHIC MYOCARDIOPATHY. Identifiers: Orphanet 217569, MedGen C0007194, MeSH D002312, MONDO:0005045, HP:0001639.

Submissions (2):

Labcorp Genetics (formerly Invitae), Labcorp
Classification: Uncertain significance for Hypertrophic cardiomyopathy. Last evaluated: 2023-12-23. Review status: criteria provided, single submitter. Criteria: Invitae Variant Classification Sherloc (09022015). Collection method: clinical testing. Allele origin: germline.
Comment: This sequence change creates a premature translational stop signal (p.Glu1367Argfs*62) in the MYH7 gene. It is expected to result in an absent or disrupted protein product. However, the current clinical and genetic evidence is not sufficient to establish whether loss-of-function variants in MYH7 cause disease. This variant is not present in population databases (gnomAD no frequency). This variant has not been reported in the literature in individuals affected with MYH7-related conditions. In summary, the available evidence is currently insufficient to determine the role of this variant in disease. Therefore, it has been classified as a Variant of Uncertain Significance.

Ambry Genetics
Classification: Uncertain significance for Cardiovascular phenotype. Last evaluated: 2023-11-01. Review status: criteria provided, single submitter. Criteria: Ambry Variant Classification Scheme 2023. Collection method: clinical testing. Allele origin: germline.
Comment: The c.4099delG variant, located in coding exon 28 of the MYH7 gene, results from a deletion of one nucleotide at nucleotide position 4099, causing a translational frameshift with a predicted alternate stop codon (p.E1367Rfs*62). This alteration is expected to result in protein truncation or nonsense-mediated mRNA decay. However, loss of function of MYH7 has not been established as a mechanism of disease. Since supporting evidence is limited at this time, the clinical significance of this alteration remains unclear.